The following is an entry in ClinVar:

ClinVar aggregate classification (germline): Uncertain significance (1 of 4 stars; one submission).

Allele frequency attached by ClinVar (database versions not stated): gnomAD exomes below 0.00001.

Submission:

Labcorp Genetics (formerly Invitae), Labcorp
Classification: Uncertain significance. Last evaluated: 2023-12-11. Review status: criteria provided, single submitter. Criteria: Invitae Variant Classification Sherloc (09022015). Collection method: clinical testing. Allele origin: germline.
Comment: This sequence change replaces arginine, which is basic and polar, with tryptophan, which is neutral and slightly polar, at codon 5 of the SPPL2A protein (p.Arg5Trp). This variant is not present in population databases (gnomAD no frequency). This variant has not been reported in the literature in individuals affected with SPPL2A-related conditions. Algorithms developed to predict the effect of missense changes on protein structure and function output the following: SIFT: "Not Available"; PolyPhen-2: "Benign"; Align-GVGD: "Not Available". The tryptophan amino acid residue is found in multiple mammalian species, which suggests that this missense change does not adversely affect protein function. In summary, the available evidence is currently insufficient to determine the role of this variant in disease. Therefore, it has been classified as a Variant of Uncertain Significance.

NM_032802.4(SPPL2A):c.13C>T (p.Arg5Trp)

Genes: SPPL2A (signal peptide peptidase like 2A; minus strand), LOC130057047 (ATAC-STARR-seq lymphoblastoid silent region 6430; plus strand). Cytogenetic location: 15q21.2.
Variant type: single nucleotide variant.
Coding change: c.13C>T on transcript NM_032802.4 (MANE Select); coding-DNA position 13, C replaced by T.
Protein change: p.Arg5Trp; replaces arginine 5 with tryptophan.
Molecular consequence: missense variant.
Genome position (GRCh38, 1-based): chr15:50,765,521, G>A on the plus strand (C>T on the coding strand, the complement: SPPL2A is on the minus strand). VCF-style: chr15-50765521-G-A. GRCh37 (hg19) VCF-style: chr15-51057718-G-A.
Other names: short protein forms R5W.
Identifiers: ClinVar variation 2805736 (VCV002805736.3), dbSNP rs1014061829, ClinGen allele CA392462418.